The following is an entry in ClinVar:

ClinVar aggregate classification (germline): Uncertain significance (1 of 4 stars; one submission).

Submission:

Labcorp Genetics (formerly Invitae), Labcorp
Classification: Uncertain significance. Last evaluated: 2025-06-24. Review status: criteria provided, single submitter. Criteria: Invitae Variant Classification Sherloc (09022015). Collection method: clinical testing. Allele origin: germline.
Comment: This sequence change replaces lysine, which is basic and polar, with asparagine, which is neutral and polar, at codon 1095 of the COL11A1 protein (p.Lys1095Asn). This variant is not present in population databases (gnomAD no frequency). This variant has not been reported in the literature in individuals affected with COL11A1-related conditions. Invitae Evidence Modeling of protein sequence and biophysical properties (such as structural, functional, and spatial information, amino acid conservation, physicochemical variation, residue mobility, and thermodynamic stability) indicates that this missense variant is not expected to disrupt COL11A1 protein function with a negative predictive value of 80%. In summary, the available evidence is currently insufficient to determine the role of this variant in disease. Therefore, it has been classified as a Variant of Uncertain Significance.

NM_001854.4(COL11A1):c.3285A>C (p.Lys1095Asn)

Gene: COL11A1 (collagen type XI alpha 1 chain; minus strand). Cytogenetic location: 1p21.1.
Variant type: single nucleotide variant.
Coding change: c.3285A>C on transcript NM_001854.4 (MANE Select); coding-DNA position 3285, A replaced by C.
Protein change: p.Lys1095Asn; replaces lysine 1095 with asparagine.
Molecular consequence: missense variant. On other transcripts: non-coding transcript variant (1).
Genome position (GRCh38, 1-based): chr1:102,940,426, T>G on the plus strand (A>C on the coding strand, the complement: COL11A1 is on the minus strand). VCF-style: chr1-102940426-T-G. GRCh37 (hg19) VCF-style: chr1-103405982-T-G.
Other names: c.3168A>C, p.Lys1056Asn (NM_001190709.2); c.3321A>C, p.Lys1107Asn (NM_080629.3); c.2937A>C, p.Lys979Asn (NM_080630.4); short protein forms K1107N, K979N, K1056N, K1095N.
Identifiers: ClinVar variation 4743380 (VCV004743380.1).